The following is an entry in ClinVar:

NM_080680.3(COL11A2):c.2187G>C (p.Arg729=)

Gene: COL11A2 (collagen type XI alpha 2 chain; minus strand). Cytogenetic location: 6p21.32.
Variant type: single nucleotide variant.
Coding change: c.2187G>C on transcript NM_080680.3 (MANE Select); coding-DNA position 2187, G replaced by C.
Protein change: p.Arg729=; no amino-acid change (arginine 729 retained).
Molecular consequence: synonymous variant.
Genome position (GRCh38, 1-based): chr6:33,176,286, C>G on the plus strand (G>C on the coding strand, the complement: COL11A2 is on the minus strand). VCF-style: chr6-33176286-C-G. GRCh37 (hg19) VCF-style: chr6-33144063-C-G.
Other names: c.1866G>C, p.Arg622= (NM_080679.3); c.1929G>C, p.Arg643= (NM_080681.3).
Identifiers: ClinVar variation 682617 (VCV000682617.14), dbSNP rs551411073, ClinGen allele CA3751009.

ClinVar aggregate classification (germline): Likely benign. Review status: criteria provided, multiple submitters, no conflicts (2 of 4 stars). 4 submissions from 4 submitters: Likely benign (3). 1 of the submissions does not count toward it. Last evaluated 2026-01-26.

Conditions:
COL11A2-related disorder. Also called: COL11A2-related condition; COL11A2-related disorders.

Allele frequency attached by ClinVar (database versions not stated): gnomAD exomes 0.00010; ExAC 0.00018; 1000 Genomes Project 0.00020; gnomAD 0.00029 and 0.00032; 1000 Genomes Project 30x 0.00031; TOPMed 0.00037.
gnomAD v4.1: 151 of 1,607,306 alleles (0.0094%); highest among the groups gnomAD compares: Middle Eastern, 0.12%; 1 homozygote.

Submissions (4):

Labcorp Genetics (formerly Invitae), Labcorp
Classification: Likely benign. Last evaluated: 2026-01-26. Review status: criteria provided, single submitter. Criteria: Invitae Variant Classification Sherloc (09022015). Collection method: clinical testing. Allele origin: germline.

Blueprint Genetics
Classification: Likely benign. Last evaluated: 2024-11-20. Review status: criteria provided, single submitter. Criteria: ACMG Guidelines, 2015. Collection method: clinical testing. Allele origin: germline.

GeneDx
Classification: Likely benign. Last evaluated: 2019-10-22. Review status: criteria provided, single submitter. Criteria: GeneDx Variant Classification Process June 2021. Collection method: clinical testing. Allele origin: germline. Affected: yes.

PreventionGenetics, part of Exact Sciences
Classification: Likely benign for COL11A2-related condition. Last evaluated: 2019-07-22. Review status: no assertion criteria provided. Collection method: clinical testing. Allele origin: germline. Not counted in ClinVar's aggregate classification.
Comment: This variant is classified as likely benign based on ACMG/AMP sequence variant interpretation guidelines (Richards et al. 2015 PMID: 25741868, with internal and published modifications).